The following is an entry in ClinVar:

NM_001961.4(EEF2):c.164G>C (p.Arg55Pro)

Gene: EEF2 (eukaryotic translation elongation factor 2; minus strand). Cytogenetic location: 19p13.3.
Variant type: single nucleotide variant.
Coding change: c.164G>C on transcript NM_001961.4 (MANE Select); coding-DNA position 164, G replaced by C.
Protein change: p.Arg55Pro; replaces arginine 55 with proline.
Molecular consequence: missense variant.
Genome position (GRCh38, 1-based): chr19:3,984,190, C>G on the plus strand (G>C on the coding strand, the complement: EEF2 is on the minus strand). VCF-style: chr19-3984190-C-G. GRCh37 (hg19) VCF-style: chr19-3984188-C-G.
Other names: short protein forms R55P.
Identifiers: ClinVar variation 3368705 (VCV003368705.2).

ClinVar aggregate classification (germline): Uncertain significance (1 of 4 stars; one submission).

Submission:

GeneDx
Classification: Uncertain significance. Last evaluated: 2026-09-12. Review status: criteria provided, single submitter. Criteria: GeneDx Variant Classification Process June 2021. Collection method: clinical testing. Allele origin: germline.
Comment: Not observed at significant frequency in large population cohorts (gnomAD); In silico analysis supports that this missense variant has a deleterious effect on protein structure/function; Has not been previously published as pathogenic or benign to our knowledge